The following is an entry in ClinVar:

ClinVar aggregate classification (germline): Likely benign. Review status: criteria provided, multiple submitters, no conflicts (2 of 4 stars). 2 submissions from 2 submitters: Likely benign (2). Last evaluated 2026-01-21.

Submissions (2):

Labcorp Genetics (formerly Invitae), Labcorp
Classification: Likely benign. Last evaluated: 2026-01-21. Review status: criteria provided, single submitter. Criteria: Invitae Variant Classification Sherloc (09022015). Collection method: clinical testing. Allele origin: germline.

Women's Health and Genetics/Laboratory Corporation of America, LabCorp
Classification: Likely benign. Last evaluated: 2025-04-30. Review status: criteria provided, single submitter. Criteria: LabCorp Variant Classification Summary - May 2015. Collection method: clinical testing. Allele origin: germline.
Comment: Variant summary: TG c.6056-8dupC alters a nucleotide located at a position not widely known to affect splicing. Consensus agreement among computation tools predict no significant impact on normal splicing. However, these predictions have yet to be confirmed by functional studies. The frequency data for this variant in gnomAD is considered unreliable, as metrics indicate poor data quality at this position. To our knowledge, no occurrence of c.6056-8dupC in individuals affected with TG-Related Disorders and no experimental evidence demonstrating its impact on protein function have been reported. ClinVar contains an entry for this variant (Variation ID: 2902538). Based on the evidence outlined above, the variant was classified as likely benign.

NM_003235.5(TG):c.6056-8dup

Gene: TG (thyroglobulin; plus strand). Cytogenetic location: 8q24.22.
Variant type: Duplication.
Coding change: c.6056-8dup on transcript NM_003235.5 (MANE Select); 8 bases into the intron before coding-DNA position 6056, one base duplicated (C; older notation c.6056-8dupC).
Molecular consequence: intron variant.
Genome position (GRCh38, 1-based): chr8:132,972,590, C duplicated; the last of 2 consecutive C bases (chr8:132,972,589-132,972,590); duplicating either gives the same sequence. VCF-style (leftmost placement, unchanged base first): chr8-132972588-T-TC. GRCh37 (hg19) VCF-style: chr8-133984833-T-TC.
Other names: c.6056-8dupC (NM_003235.5).
Identifiers: ClinVar variation 2902538 (VCV002902538.6), dbSNP rs1554685665, ClinGen allele CA585277711.